The following is an entry in ClinVar:

NM_001286577.2(C2CD3):c.5232G>A (p.Trp1744Ter)

Gene: C2CD3 (C2 domain containing 3 centriole elongation regulator; minus strand). Cytogenetic location: 11q13.4.
Variant type: single nucleotide variant.
Coding change: c.5232G>A on transcript NM_001286577.2 (MANE Select); coding-DNA position 5232, G replaced by A.
Protein change: p.Trp1744Ter; replaces tryptophan 1744 with a stop codon.
Molecular consequence: nonsense.
Genome position (GRCh38, 1-based): chr11:74,049,466, C>T on the plus strand (G>A on the coding strand, the complement: C2CD3 is on the minus strand). VCF-style: chr11-74049466-C-T. GRCh37 (hg19) VCF-style: chr11-73760511-C-T.
Other names: c.5232G>A, p.Trp1744Ter (NM_015531.6); short protein forms W1744*.
Identifiers: ClinVar variation 3616284 (VCV003616284.2).

ClinVar aggregate classification (germline): Pathogenic (1 of 4 stars; one submission).

gnomAD v4.1: 2 of 1,613,440 alleles (0.00012%); highest among the groups gnomAD compares: Non-Finnish European, 0.00017%; no homozygotes.

Submission:

Labcorp Genetics (formerly Invitae), Labcorp
Classification: Pathogenic. Last evaluated: 2024-10-28. Review status: criteria provided, single submitter. Criteria: Invitae Variant Classification Sherloc (09022015). Collection method: clinical testing. Allele origin: germline.
Comment: This sequence change creates a premature translational stop signal (p.Trp1744*) in the C2CD3 gene. It is expected to result in an absent or disrupted protein product. Loss-of-function variants in C2CD3 are known to be pathogenic (PMID: 24997988, 26477546). This variant is present in population databases (no rsID available, gnomAD 0.0009%). This variant has not been reported in the literature in individuals affected with C2CD3-related conditions. For these reasons, this variant has been classified as Pathogenic.

Literature cited by the submitters: PubMed 24997988; PubMed 26477546.